The following is an entry in ClinVar:

ClinVar aggregate classification (germline): Likely pathogenic (1 of 4 stars; one submission).

Submission:

Quest Diagnostics Nichols Institute San Juan Capistrano
Classification: Likely pathogenic. Last evaluated: 2025-01-14. Review status: criteria provided, single submitter. Criteria: Quest Diagnostics criteria. Collection method: clinical testing. Allele origin: unknown.
Comment: The MEN1 c.1281dup (p.Pro428Serfs*21) variant alters the translational reading frame of the MEN1 mRNA and is predicted to cause the premature termination of MEN1 protein synthesis. This variant has not been reported in individuals with MEN1-related conditions in the published literature. This variant has not been reported in large, multi-ethnic general populations (Genome Aggregation Database). Based on the available information, this variant is classified as likely pathogenic.

NM_001370259.2(MEN1):c.1281dup (p.Pro428fs)

Gene: MEN1 (menin 1; minus strand). Cytogenetic location: 11q13.1.
Variant type: Duplication.
Coding change: c.1281dup on transcript NM_001370259.2 (MANE Select); coding-DNA position 1281, one base duplicated (T; older notation c.1281dupT).
Protein change: p.Pro428fs; shifts the reading frame from proline 428.
Molecular consequence: frameshift variant. On other transcripts: non-coding transcript variant (4), intron variant (1).
Genome position (GRCh38, 1-based): chr11:64,805,103, A duplicated on the plus strand (T on the coding strand, the reverse complement: MEN1 is on the minus strand). VCF-style (leftmost placement, unchanged base first): chr11-64805102-G-GA. GRCh37 (hg19) VCF-style: chr11-64572574-G-GA.
Other names: c.1296dup, p.Pro433fs (NM_000244.4, NM_001407145.1, NM_130800.3 and 4 more transcripts); c.1407dup, p.Pro470fs (NM_001370251.2, NM_001407142.1, NM_001407143.1 and 1 more transcripts); c.1281dup, p.Pro428fs (NM_001370260.2, NM_001370261.2, NM_001407146.1 and 2 more transcripts); c.1176dup, p.Pro393fs (NM_001370262.2, NM_001370263.2, NM_001407148.1 and 1 more transcripts); c.1422dup, p.Pro475fs (NM_001407150.1); c.1302dup, p.Pro435fs (NM_001407151.1); c.1186-287dup (NM_001407152.1); short protein forms P393fs, P428fs, P433fs, P435fs, P470fs, P475fs.
Identifiers: ClinVar variation 4533163 (VCV004533163.1).